The following is an entry in ClinVar:

NM_003743.5(NCOA1):c.1603A>G (p.Asn535Asp)

Gene: NCOA1 (nuclear receptor coactivator 1; plus strand). Cytogenetic location: 2p23.3.
Variant type: single nucleotide variant.
Coding change: c.1603A>G on transcript NM_003743.5 (MANE Select); coding-DNA position 1603, A replaced by G.
Protein change: p.Asn535Asp; replaces asparagine 535 with aspartic acid.
Molecular consequence: missense variant.
Genome position (GRCh38, 1-based): chr2:24,707,073, A>G. VCF-style: chr2-24707073-A-G. GRCh37 (hg19) VCF-style: chr2-24929942-A-G.
Other names: c.1603A>G, p.Asn535Asp (NM_001362950.1, NM_001362952.1, NM_001362954.1 and 3 more transcripts); short protein forms N535D.
Identifiers: ClinVar variation 2280951 (VCV002280951.3), dbSNP rs369495754, ClinGen allele CA1552282.

ClinVar aggregate classification (germline): Uncertain significance. Review status: criteria provided, single submitter (1 of 4 stars). 2 submissions from 2 submitters: Uncertain significance (1). 1 of the submissions does not count toward it. Last evaluated 2022-03-30.

Conditions:
NCOA1-related disorder. Also called: NCOA1-related condition.

Allele frequency attached by ClinVar (database versions not stated): gnomAD 0.00001; TOPMed 0.00001; ExAC 0.00002; ESP Exome Variant Server 0.00008.
gnomAD v4.1: 5 of 1,614,096 alleles (0.00031%); highest among the groups gnomAD compares: East Asian, 0.0045%; no homozygotes.

Submissions (2):

Ambry Genetics
Classification: Uncertain significance. Last evaluated: 2022-03-30. Review status: criteria provided, single submitter. Criteria: Ambry Variant Classification Scheme 2023. Collection method: clinical testing. Allele origin: germline.

PreventionGenetics, part of Exact Sciences
Classification: Uncertain significance for NCOA1-related condition. Last evaluated: 2024-08-06. Review status: no assertion criteria provided. Collection method: clinical testing. Allele origin: germline. Not counted in ClinVar's aggregate classification.
Comment: The NCOA1 c.1603A>G variant is predicted to result in the amino acid substitution p.Asn535Asp. To our knowledge, this variant has not been reported in the literature. This variant is reported in 0.0082% of alleles in individuals of African descent in gnomAD. At this time, the clinical significance of this variant is uncertain due to the absence of conclusive functional and genetic evidence.